The following is an entry in ClinVar:

NM_182931.3(KMT2E):c.2616_2619del (p.Lys872fs)

Gene: KMT2E (lysine methyltransferase 2E (inactive); plus strand). Cytogenetic location: 7q22.3.
Variant type: Deletion.
Coding change: c.2616_2619del on transcript NM_182931.3 (MANE Select); coding-DNA positions 2616 to 2619, 4 bases deleted (AAAA; older notation c.2616_2619delAAAA).
Protein change: p.Lys872fs; shifts the reading frame from lysine 872.
Molecular consequence: frameshift variant.
Genome position (GRCh38, 1-based): chr7:105,106,541-105,106,544, AAAA deleted; deleting any 4 consecutive bases within chr7:105,106,538-105,106,544 gives the same sequence; the c. name uses the placement nearest the transcript's 3' end. VCF-style (leftmost placement, unchanged base first): chr7-105106537-TAAAA-T. GRCh37 (hg19) VCF-style: chr7-104746984-TAAAA-T.
Other names: c.2616_2619del, p.Lys872fs (NM_018682.4); short protein forms K872fs.
Identifiers: ClinVar variation 1308241 (VCV001308241.4), dbSNP rs2129569824, ClinGen allele CA2573052776.

ClinVar aggregate classification (germline): Pathogenic (1 of 4 stars; one submission).

Submission:

GeneDx
Classification: Pathogenic. Last evaluated: 2025-11-07. Review status: criteria provided, single submitter. Criteria: GeneDx Variant Classification Process June 2021. Collection method: clinical testing. Allele origin: germline. Affected: yes.
Comment: Frameshift variant predicted to result in protein truncation or nonsense mediated decay in a gene for which loss of function is a known mechanism of disease; Not observed at significant frequency in large population cohorts (gnomAD); Has not been previously published as pathogenic or benign to our knowledge